The following is an entry in ClinVar:

ClinVar aggregate classification (germline): Pathogenic (1 of 4 stars; one submission).

Allele frequency attached by ClinVar (database versions not stated): TOPMed below 0.00001.

Submission:

Labcorp Genetics (formerly Invitae), Labcorp
Classification: Pathogenic. Last evaluated: 2022-12-31. Review status: criteria provided, single submitter. Criteria: Invitae Variant Classification Sherloc (09022015). Collection method: clinical testing. Allele origin: germline.
Comment: For these reasons, this variant has been classified as Pathogenic. This variant has not been reported in the literature in individuals affected with RP1-related conditions. This variant is not present in population databases (gnomAD no frequency). This sequence change creates a premature translational stop signal (p.Arg87Glyfs*29) in the RP1 gene. It is expected to result in an absent or disrupted protein product. Loss-of-function variants in RP1 are known to be pathogenic (PMID: 11960024, 19933189).

Literature cited by the submitters: PubMed 11960024; PubMed 19933189.

NM_006269.2(RP1):c.259del (p.Arg87fs)

Gene: RP1 (RP1 axonemal microtubule associated; plus strand). Cytogenetic location: 8q12.1.
Variant type: Deletion.
Coding change: c.259del on transcript NM_006269.2 (MANE Select); coding-DNA position 259, one base deleted (C; older notation c.259delC).
Protein change: p.Arg87fs; shifts the reading frame from arginine 87.
Molecular consequence: frameshift variant.
Genome position (GRCh38, 1-based): chr8:54,621,225, C deleted. VCF-style (leftmost placement, unchanged base first): chr8-54621224-TC-T. GRCh37 (hg19) VCF-style: chr8-55533784-TC-T.
Other names: c.259del, p.Arg87fs (NM_001375654.1); short protein forms R87fs.
Identifiers: ClinVar variation 2810990 (VCV002810990.3), dbSNP rs1805853366, ClinGen allele CA1785186001.